The following is an entry in ClinVar:

NM_000535.7(PMS2):c.2T>C (p.Met1Thr)

Gene: PMS2 (PMS1 homolog 2, mismatch repair system component; minus strand). Cytogenetic location: 7p22.1.
Variant type: single nucleotide variant.
Coding change: c.2T>C on transcript NM_000535.7 (MANE Select); coding-DNA position 2, T replaced by C.
Protein change: p.Met1Thr; changes the start codon (methionine 1).
Molecular consequence: missense variant, initiator codon variant. On other transcripts: 5 prime UTR variant (11), non-coding transcript variant (1).
Genome position (GRCh38, 1-based): chr7:6,009,018, A>G on the plus strand (T>C on the coding strand, the complement: PMS2 is on the minus strand). VCF-style: chr7-6009018-A-G. GRCh37 (hg19) VCF-style: chr7-6048649-A-G.
Other names: p.M1T:ATG>ACG; c.-399T>C (NM_001322003.2, NM_001322013.2); c.-264T>C (NM_001322004.2, NM_001322010.2); c.-594T>C (NM_001322005.2); c.2T>C, p.Met1Thr (NM_001322006.2, NM_001322014.2); c.-214T>C (NM_001322007.2); c.-74T>C (NM_001322008.2); c.-589T>C (NM_001322009.2); and 3 more; short protein forms M1T.
Identifiers: ClinVar variation 127788 (VCV000127788.48), dbSNP rs587780059, ClinGen allele CA011813.

ClinVar aggregate classification (germline): Pathogenic. Review status: criteria provided, multiple submitters, no conflicts (2 of 4 stars). 11 submissions from 11 submitters: Pathogenic (9). 2 of the submissions do not count toward it. Last evaluated 2025-09-11.

Conditions:
Hereditary nonpolyposis colorectal neoplasms. Identifiers: MedGen C0009405, MeSH D003123.
Hereditary nonpolyposis colon cancer (HNPCC). Also called: Hereditary Nonpolyposis Colorectal Cancer Syndrome; Hereditary nonpolyposis colorectal cancer; Familial nonpolyposis colon cancer. Identifiers: Orphanet 443909, MedGen C1333990, MONDO:0018630. Disease mechanism: loss of function.
Gastric cancer. Also called: Stomach cancer; Malignant tumor of stomach. Identifiers: MedGen C0024623, MeSH D013274, MONDO:0001056, OMIM 613659, HP:0012126.
Hereditary cancer-predisposing syndrome. Also called: Tumor predisposition; Hereditary neoplastic syndrome; Hereditary Cancer Syndrome; Neoplastic Syndromes, Hereditary. Identifiers: Orphanet 140162, MedGen C0027672, MeSH D009386, MONDO:0015356.
Lynch syndrome. Identifiers: Orphanet 144, MedGen C4552100, MONDO:0005835. Disease mechanism: loss of function.
Lynch syndrome 4 (LYNCH4). Also called: Colorectal cancer, hereditary nonpolyposis, type 4; Hereditary non-polyposis colorectal cancer, type 4. Identifiers: Orphanet 144, MedGen C1838333, MONDO:0013699, OMIM 614337. Disease mechanism: loss of function.

Allele frequency attached by ClinVar (database versions not stated): gnomAD 0.00001; TOPMed 0.00001.

Submissions (11):

Ambry Genetics
Classification: Pathogenic for Hereditary cancer-predisposing syndrome. Last evaluated: 2025-09-11. Review status: criteria provided, single submitter. Criteria: Ambry Variant Classification Scheme 2023. Collection method: clinical testing. Allele origin: germline.
Comment: The p.M1? pathogenic mutation (also known as c.2T>C) is located in coding exon 1 of the PMS2 gene and results from a T to C substitution at nucleotide position 2. This alters the methionine residue at the initiation codon (ATG). This variant has been reported in individuals with colorectal cancer, including one whose tumor demonstrated loss of PMS2 staining by IHC and microsatellite instability (Yang M et al. Ther Adv Med Oncol. 2021 Jun;13:17588359211023290; Fanale D. et al. Front Oncol 2022 Feb;12:827822). Furthermore, other alterations impacting the PMS2 initiation codon have been reported in individuals with early-onset, Lynch syndrome-associated malignancies and tumors demonstrating isolated loss of PMS2 staining by immunohistochemistry (IHC) (Senter L et al. Gastroenterology. 2008 Aug;135(2):419-28; Borr&agrave;s E et al. J. Med. Genet. 2013 Aug; 50(8):552-63). This variant is considered to be rare based on population cohorts in the Genome Aggregation Database (gnomAD). This amino acid position is highly conserved in available vertebrate species. Sequence variations that modify the initiation codon are expected to result in either loss of translation initiation, N-terminal truncation, or cause a shift in the mRNA reading frame. Based on the supporting evidence, this alteration is interpreted as a disease-causing mutation.

Labcorp Genetics (formerly Invitae), Labcorp
Classification: Pathogenic for Hereditary nonpolyposis colorectal neoplasms. Last evaluated: 2025-09-02. Review status: criteria provided, single submitter. Criteria: Invitae Variant Classification Sherloc (09022015). Collection method: clinical testing. Allele origin: germline.
Comment: This sequence change affects the initiator codon of the PMS2 mRNA. This change may impact translation initiation or efficiency. The next in-frame methionine is located at codon 136. This variant is present in population databases (rs587780059, gnomAD 0.0009%). Disruption of the initiator codon has been observed in individual(s) with clinical features of autosomal dominant and autosomal recessive PMS2-related conditions (PMID: 18602922, 20487569, 23709753, 25559809, 26681312, 26898890, 27476653). Invitae Evidence Modeling of clinical and family history, age, sex, and reported ancestry of multiple individuals with this PMS2 variant has been performed. This variant is expected to be pathogenic with a positive predictive value of at least 99%. This is a validated machine learning model that incorporates the clinical features of 1,627,235 individuals referred to our laboratory for PMS2 testing. ClinVar contains an entry for this variant (Variation ID: 127788). This variant disrupts a region of the PMS2 protein in which other variant(s) (p.Gly74Arg) have been determined to be pathogenic (internal data). This suggests that this is a clinically significant region of the protein, and that variants that disrupt it are likely to be disease-causing. For these reasons, this variant has been classified as Pathogenic.

All of Us Research Program, National Institutes of Health
Classification: Pathogenic for Lynch syndrome. Last evaluated: 2024-03-28. Review status: criteria provided, single submitter. Criteria: ACMG Guidelines, 2015. Collection method: clinical testing. Allele origin: germline. Inheritance: Autosomal dominant inheritance. Observed: 1 variant allele, 1 heterozygote.
Comment: This variant results in the loss of the translation start codon of the PMS2 gene. This variant is expected to disrupt the expression of the full-length PMS2 protein. To our knowledge, functional studies have not been reported for this variant. This variant has been reported in individuals affected with breast and/or ovarian cancer (PMID: 26898890, 26681312, 34178123), Lynch syndrome (34178123), kidney carcinoma (PMID: 29625052), or liver carcinoma (PMID: 29625052). Different variants affecting the same start codon (c.1A>G, c.1A>T, c.1A>C, c.2T>A, c.2T>G) are considered to be disease-causing (ClinVar variation ID: 91323, 142777, 182809, 231873, 820477) and have been found in individuals with colorectal, endometrial, and constitutional mismatch repair deficiency syndrome (PMID: 18602922, 20487569, 23012243, 23709753, 25559809, 25980754, 26681312, 27064304, 27476653), suggesting that this start codon is critical for PMS2 translation. This variant has been identified in 2/250260 chromosomes in the general population by the Genome Aggregation Database (gnomAD). Based on the available evidence, this variant is classified as Pathogenic.

This study involves interpretation of variants in research participants for the purpose of population health screening. Participant phenotype was not available at the time of variant classification. Additional details can be found in publication PMID: 35346344, PMCID: PMC8962531

Human Genome Sequencing Center Clinical Lab, Baylor College of Medicine
Classification: Pathogenic for Lynch syndrome. Last evaluated: 2023-11-21. Review status: criteria provided, single submitter. Criteria: ACMG Guidelines, 2015. Collection method: clinical testing. Allele origin: unknown.

Myriad Genetics, Inc.
Classification: Pathogenic for Lynch syndrome 4. Last evaluated: 2023-04-05. Review status: criteria provided, single submitter. Criteria: Myriad Autosomal Dominant, Autosomal Recessive and X-Linked Classification Criteria (2023). Collection method: clinical testing. Allele origin: unknown.
Comment: This variant is considered pathogenic. This variant is located within the gene translation start codon (p.Met1?) and is predicted to result in abnormal protein translation. This variant has been reported in multiple individuals with clinical features of gene-specific disease [PMID: 30680046, 27476653, 18602922].

Revvity Omics, Revvity
Classification: Pathogenic. Last evaluated: 2022-12-07. Review status: criteria provided, single submitter. Criteria: ACMG Guidelines, 2015. Collection method: clinical testing. Allele origin: germline.

GeneDx
Classification: Pathogenic. Last evaluated: 2022-05-23. Review status: criteria provided, single submitter. Criteria: GeneDx Variant Classification Process June 2021. Collection method: clinical testing. Allele origin: germline. Affected: yes.
Comment: Initiation codon variant in a gene for which loss-of-function is a known mechanism of disease; Observed in individuals with colorectal, breast cancer, and renal cancer (Caminsky 2016, Susswein 2016, Huang 2018, Yang 2021); Not observed at a significant frequency in large population cohorts (gnomAD); This variant is associated with the following publications: (PMID: 29625052, 26898890, 18602922, 28466842, 27476653, 23709753, 26681312, 29345684, 32719484, 30787465, 34371384, 34178123)

Color Diagnostics, LLC DBA Color Health
Classification: Pathogenic for Hereditary cancer-predisposing syndrome. Last evaluated: 2022-03-17. Review status: criteria provided, single submitter. Criteria: ACMG Guidelines, 2015. Collection method: clinical testing. Allele origin: germline.
Comment: This variant results in the loss of the translation start codon of the PMS2 gene. This variant is expected to disrupt the expression of the full-length PMS2 protein. To our knowledge, functional studies have not been reported for this variant. This variant has been reported in individuals affected with breast and/or ovarian cancer (PMID: 26898890, 26681312, 34178123), Lynch syndrome (34178123), kidney carcinoma (PMID: 29625052), or liver carcinoma (PMID: 29625052). Different variants affecting the same start codon (c.1A>G, c.1A>T, c.1A>C, c.2T>A, c.2T>G) are considered to be disease-causing (ClinVar variation ID: 91323, 142777, 182809, 231873, 820477) and have been found in individuals with colorectal, endometrial, and constitutional mismatch repair deficiency syndrome (PMID: 18602922, 20487569, 23012243, 23709753, 25559809, 25980754, 26681312, 27064304, 27476653), suggesting that this start codon is critical for PMS2 translation. This variant has been identified in 2/250260 chromosomes in the general population by the Genome Aggregation Database (gnomAD). Based on the available evidence, this variant is classified as Pathogenic.

Women's Health and Genetics/Laboratory Corporation of America, LabCorp
Classification: Pathogenic for Hereditary nonpolyposis colon cancer. Last evaluated: 2021-09-27. Review status: criteria provided, single submitter. Criteria: LabCorp Variant Classification Summary - May 2015. Collection method: clinical testing. Allele origin: germline.
Comment: Variant summary: PMS2 c.2T>C (p.Met1Thr) alters the initiation codon in exon 1 and is predicted to result either in absence of the protein or truncation of the encoded protein due to translation initiation at a downstream codon. The next putative in-frame Methionine start codon is located at codon 136 in the downstream exon 5 of the PMS2 gene. Other pathogenic variant(s) have been reported 5 of this next downstream putative in-frame start codon (Methionine). Four of four in-silico tools predict a damaging effect of the variant on protein function. The variant allele was found at a frequency of 4e-06 in 250260 control chromosomes. c.2T>C has been reported in the literature in multiple individuals affected with a variety of cancers such as HBOC, Breast Invasive Carcinoma, Papillary Renal Carcinoma, Liver Hepatocellular Carcinoma and Lynch syndrome (example, Caminsky_2016, Susswein_2016, Huang_2018, Yang_2021). These data indicate that the variant is very likely to be associated with disease. To our knowledge, no experimental evidence demonstrating an impact on protein function has been reported. Five clinical diagnostic laboratories have submitted clinical-significance assessments for this variant to ClinVar after 2014 without evidence for independent evaluation. All laboratories classified the variant as pathogenic (n=4)/likely pathogenic (n=1). Based on the evidence outlined above, the variant was classified as pathogenic.

Laboratory for Genotyping Development, RIKEN
Classification: Pathogenic for Gastric cancer. Last evaluated: 2021-07-01. Review status: no assertion criteria provided. Collection method: research. Allele origin: germline. Not counted in ClinVar's aggregate classification.

Counsyl
Classification: Likely pathogenic for Lynch syndrome 4. Last evaluated: 2017-11-08. Review status: no assertion criteria provided. Collection method: clinical testing. Allele origin: unknown. Not counted in ClinVar's aggregate classification.

Literature cited by the submitters: PubMed 29625052 (cited by 4 submitters); PubMed 18602922 (cited by 4 submitters); PubMed 20487569 (cited by 3 submitters); PubMed 23709753 (cited by 3 submitters); PubMed 25559809 (cited by 3 submitters); PubMed 26681312 (cited by 5 submitters); PubMed 26898890 (cited by 5 submitters); PubMed 27476653 (cited by 4 submitters); PubMed 23012243 (cited by All of Us Research Program, National Institutes of Health and Color Diagnostics, LLC DBA Color Health); PubMed 25980754 (cited by All of Us Research Program, National Institutes of Health and Color Diagnostics, LLC DBA Color Health); PubMed 27064304 (cited by All of Us Research Program, National Institutes of Health and Color Diagnostics, LLC DBA Color Health); PubMed 34178123 (cited by 3 submitters); PubMed 30680046 (cited by Myriad Genetics, Inc.); PubMed 36988593 (cited by Laboratory for Genotyping Development, RIKEN).